The following is an entry in ClinVar:

NM_002890.3(RASA1):c.343G>A (p.Ala115Thr)

Gene: RASA1 (RAS p21 protein activator 1; plus strand). Cytogenetic location: 5q14.3.
Variant type: single nucleotide variant.
Coding change: c.343G>A on transcript NM_002890.3 (MANE Select); coding-DNA position 343, G replaced by A.
Protein change: p.Ala115Thr; replaces alanine 115 with threonine.
Molecular consequence: missense variant.
Genome position (GRCh38, 1-based): chr5:87,268,794, G>A. VCF-style: chr5-87268794-G-A. GRCh37 (hg19) VCF-style: chr5-86564611-G-A.
Other names: short protein forms A115T.
Identifiers: ClinVar variation 4713894 (VCV004713894.1).

ClinVar aggregate classification (germline): Uncertain significance (1 of 4 stars; one submission).

Conditions:
Capillary malformation-arteriovenous malformation syndrome. Also called: Capillary malformation-arteriovenous malformation. Identifiers: Orphanet 137667, MedGen C1842180, MONDO:0012016.

Submission:

Labcorp Genetics (formerly Invitae), Labcorp
Classification: Uncertain significance for Capillary malformation-arteriovenous malformation syndrome. Last evaluated: 2025-02-26. Review status: criteria provided, single submitter. Criteria: Invitae Variant Classification Sherloc (09022015). Collection method: clinical testing. Allele origin: germline.
Comment: This sequence change replaces alanine, which is neutral and non-polar, with threonine, which is neutral and polar, at codon 115 of the RASA1 protein (p.Ala115Thr). This variant is not present in population databases (gnomAD no frequency). This variant has not been reported in the literature in individuals affected with RASA1-related conditions. An algorithm developed to predict the effect of missense changes on protein structure and function (PolyPhen-2) suggests that this variant is likely to be disruptive. In summary, the available evidence is currently insufficient to determine the role of this variant in disease. Therefore, it has been classified as a Variant of Uncertain Significance.